The following is an entry in ClinVar:

NM_005902.4(SMAD3):c.984G>A (p.Pro328=)

Gene: SMAD3 (SMAD family member 3; plus strand). Cytogenetic location: 15q22.33.
Variant type: single nucleotide variant.
Coding change: c.984G>A on transcript NM_005902.4 (MANE Select); coding-DNA position 984, G replaced by A.
Protein change: p.Pro328=; no amino-acid change (proline 328 retained).
Molecular consequence: synonymous variant.
Genome position (GRCh38, 1-based): chr15:67,184,839, G>A. VCF-style: chr15-67184839-G-A. GRCh37 (hg19) VCF-style: chr15-67477177-G-A.
Other names: p.Pro328=; c.669G>A, p.Pro223= (NM_001145102.2); c.852G>A, p.Pro284= (NM_001145103.2); c.399G>A, p.Pro133= (NM_001145104.2).
Identifiers: ClinVar variation 240273 (VCV000240273.37), dbSNP rs150994304, ClinGen allele CA062873.

ClinVar aggregate classification (germline): Benign/Likely benign. Review status: criteria provided, multiple submitters, no conflicts (2 of 4 stars). 15 submissions from 15 submitters: Benign (1); Likely benign (11). 3 of the submissions do not count toward it. Last evaluated 2026-09-21.

Conditions:
Familial thoracic aortic aneurysm and aortic dissection (TAAD). Also called: Thoracic aortic aneurysms and dissections. Identifiers: Orphanet 91387, MedGen C4707243, MONDO:0019625.
Aneurysm-osteoarthritis syndrome. Also called: SMAD3-Related Loeys-Dietz Syndrome; LOEYS-DIETZ SYNDROME WITH OSTEOARTHRITIS; ANEURYSMS-OSTEOARTHRITIS SYNDROME; Loeys-Dietz syndrome, type 1C. Identifiers: Orphanet 284984, MedGen C3151087, MONDO:0013426, OMIM 613795.

Allele frequency attached by ClinVar (database versions not stated): ExAC 0.00008; gnomAD exomes 0.00008; TOPMed 0.00015; gnomAD 0.00016; ESP Exome Variant Server 0.00023.
gnomAD v4.1: 160 of 1,613,160 alleles (0.0099%); highest among the groups gnomAD compares: Middle Eastern, 0.019%; no homozygotes.

Submissions (15):

Molecular Diagnostic Laboratory for Inherited Cardiovascular Disease, Montreal Heart Institute
Classification: Likely benign. Last evaluated: 2026-09-21. Review status: criteria provided, single submitter. Criteria: ACMG Guidelines, 2015. Collection method: clinical testing. Allele origin: germline. Affected: no.
Comment: BP7

CeGaT Center for Human Genetics Tuebingen
Classification: Likely benign. Last evaluated: 2026-07-01. Review status: criteria provided, single submitter. Criteria: CeGaT Center For Human Genetics Tuebingen Variant Classification Criteria Version 2. Collection method: clinical testing. Allele origin: germline. Affected: yes. Observed: 1 variant allele.
Comment: SMAD3: BP4, BP7

Labcorp Genetics (formerly Invitae), Labcorp
Classification: Likely benign for Familial thoracic aortic aneurysm and aortic dissection. Last evaluated: 2026-01-28. Review status: criteria provided, single submitter. Criteria: Invitae Variant Classification Sherloc (09022015). Collection method: clinical testing. Allele origin: germline.

Mayo Clinic Laboratories, Mayo Clinic
Classification: Likely benign. Last evaluated: 2025-04-01. Review status: criteria provided, single submitter. Criteria: ACMG Guidelines, 2015. Collection method: clinical testing. Allele origin: germline. Observed: 2 variant alleles.
Comment: BP4, BP7

Blueprint Genetics
Classification: Likely benign. Last evaluated: 2024-11-20. Review status: criteria provided, single submitter. Criteria: ACMG Guidelines, 2015. Collection method: clinical testing. Allele origin: germline.

Women's Health and Genetics/Laboratory Corporation of America, LabCorp
Classification: Benign. Last evaluated: 2024-09-29. Review status: criteria provided, single submitter. Criteria: LabCorp Variant Classification Summary - May 2015. Collection method: clinical testing. Allele origin: germline.

All of Us Research Program, National Institutes of Health
Classification: Likely benign for Aneurysm-osteoarthritis syndrome. Last evaluated: 2024-02-05. Review status: criteria provided, single submitter. Criteria: ACMG Guidelines, 2015. Collection method: clinical testing. Allele origin: germline. Inheritance: Autosomal dominant inheritance. Observed: 23 variant alleles, 23 heterozygotes.
Comment: This study involves interpretation of variants in research participants for the purpose of population health screening. Participant phenotype was not available at the time of variant classification. Additional details can be found in publication PMID: 35346344, PMCID: PMC8962531

CHEO Genetics Diagnostic Laboratory, Children's Hospital of Eastern Ontario
Classification: Likely benign for Familial thoracic aortic aneurysm and aortic dissection. Last evaluated: 2022-04-05. Review status: criteria provided, single submitter. Criteria: ACMG Guidelines, 2015. Collection method: clinical testing. Allele origin: germline.

GeneDx
Classification: Likely benign. Last evaluated: 2021-09-27. Review status: criteria provided, single submitter. Criteria: GeneDx Variant Classification Process June 2021. Collection method: clinical testing. Allele origin: germline. Affected: yes.

Color Diagnostics, LLC DBA Color Health
Classification: Likely benign for Familial thoracic aortic aneurysm and aortic dissection. Last evaluated: 2018-11-21. Review status: criteria provided, single submitter. Criteria: ACMG Guidelines, 2015. Collection method: clinical testing. Allele origin: germline.

Ambry Genetics
Classification: Likely benign for Familial thoracic aortic aneurysm and aortic dissection. Last evaluated: 2016-03-12. Review status: criteria provided, single submitter. Criteria: Ambry Variant Classification Scheme 2023. Collection method: clinical testing. Allele origin: germline.

PreventionGenetics, part of Exact Sciences
Classification: Likely benign. Review status: criteria provided, single submitter. Criteria: ACMG Guidelines, 2015. Collection method: clinical testing. Allele origin: germline.

Clinical Genetics DNA and cytogenetics Diagnostics Lab, Erasmus MC, Erasmus Medical Center
Classification: Likely benign. Review status: no assertion criteria provided. Collection method: clinical testing. Allele origin: germline. Affected: yes. Study: VKGL Data-share Consensus. Not counted in ClinVar's aggregate classification.

Genome Diagnostics Laboratory, Amsterdam University Medical Center
Classification: Likely benign. Review status: no assertion criteria provided. Collection method: clinical testing. Allele origin: germline. Affected: yes. Study: VKGL Data-share Consensus. Not counted in ClinVar's aggregate classification.

Genome Diagnostics Laboratory, University Medical Center Utrecht
Classification: Likely benign. Review status: no assertion criteria provided. Collection method: clinical testing. Allele origin: germline. Affected: yes. Study: VKGL Data-share Consensus. Not counted in ClinVar's aggregate classification.